The following is an entry in ClinVar:

NM_005609.4(PYGM):c.1094C>T (p.Ala365Val)

Gene: PYGM (glycogen phosphorylase, muscle associated; minus strand). Cytogenetic location: 11q13.1.
Variant type: single nucleotide variant.
Coding change: c.1094C>T on transcript NM_005609.4 (MANE Select); coding-DNA position 1094, C replaced by T.
Protein change: p.Ala365Val; replaces alanine 365 with valine.
Molecular consequence: missense variant.
Genome position (GRCh38, 1-based): chr11:64,754,024, G>A on the plus strand (C>T on the coding strand, the complement: PYGM is on the minus strand). VCF-style: chr11-64754024-G-A. GRCh37 (hg19) VCF-style: chr11-64521496-G-A.
Other names: c.830C>T, p.Ala277Val (NM_001164716.1); short protein forms A365V, A277V.
Identifiers: ClinVar variation 203394 (VCV000203394.83), dbSNP rs116135678, ClinGen allele CA275527.

ClinVar aggregate classification (germline): Conflicting classifications of pathogenicity. Review status: criteria provided, conflicting classifications (1 of 4 stars). 23 submissions from 23 submitters: Pathogenic (4); Likely pathogenic (11); Uncertain significance (6). 2 of the submissions do not count toward it. Last evaluated 2026-08-25.

Conditions:
PYGM-related disorder. Also called: PYGM-related condition.
Glycogen storage disease, type V (GSD5). Also called: McArdle type glycogen storage disease; MCARDLE DISEASE; MUSCLE GLYCOGEN PHOSPHORYLASE DEFICIENCY; MYOPHOSPHORYLASE DEFICIENCY; PYGM DEFICIENCY. Identifiers: Orphanet 368, MedGen C0017924, MONDO:0009293, OMIM 232600.
Tip-toe gait. Also called: Toe walking. Identifiers: MedGen C0427144, HP:0030051.

Allele frequency attached by ClinVar (database versions not stated): ESP Exome Variant Server 0.00046; gnomAD exomes 0.00071 and 0.00089; gnomAD 0.00072 and 0.00074; TOPMed 0.00072; 1000 Genomes Project 0.00100; ExAC 0.00103; 1000 Genomes Project 30x 0.00125.
gnomAD v4.1: 1,401 of 1,601,044 alleles (0.088%); highest among the groups gnomAD compares: Admixed American, 0.12%; 1 homozygote.

Submissions 1 to 13 of 23:

PreventionGenetics, part of Exact Sciences
Classification: Likely pathogenic for PYGM-related condition. Last evaluated: 2026-08-25. Review status: criteria provided, single submitter. Criteria: ACMG Guidelines, 2015. Collection method: clinical testing. Allele origin: germline.
Comment: The PYGM c.1094C>T variant is predicted to result in the amino acid substitution p.Ala365Val. This variant has been reported in the homozygous state or with a second PYGM variant in individuals with glycogen storage disease type V, also known as McArdle disease (see, for example: Santalla et al 2017. PubMed ID: 29143597; Løkken et al. 2023. PubMed ID: 37769369; Bilgin and Bozaci 2024. PubMed ID: 38516404). This variant is reported in 0.10% of alleles in individuals of Ashkenazi Jewish descent in gnomAD. This variant has conflicting classifications in ClinVar but is primary interpreted as likely pathogenic or pathogenic (Variation ID: 203394). This variant is interpreted as likely pathogenic.

Service of Pediatric Gastrohepatology and Metabolic Diseases, University of Medicine of Tirana
Classification: Likely pathogenic for Glycogen storage disease, type V. Last evaluated: 2026-04-29. Review status: criteria provided, single submitter. Criteria: ACMG Guidelines, 2015. Collection method: clinical testing. Allele origin: germline. Inheritance: Autosomal recessive inheritance. Affected: yes. Observed: 1 variant allele.
Comment: PYGM c.1094C>T was classified as Likely pathogenic using ACMG/AMP 2015 criteria (PMID:25741868). Evidence considered includes PM2 for rarity/absence in population databases when reviewed, PP3 for deleterious computational prediction, and PP4 for phenotype/biochemical consistency with glycogen storage disease type V/McArdle disease (OMIM:232600).

Dasa
Classification: Likely pathogenic. Last evaluated: 2026-03-25. Review status: criteria provided, single submitter. Criteria: DASA Assertion Criteria. Collection method: clinical testing. Allele origin: germline.
Comment: NM_005609.4(PYGM):c.1094C>T (p.Ala365Val) is a missense variant that results in the substitution of alanine with valine. Segregation data support an association with disease in the reported family/families (PMID: 21802952; PMID: 17630210; PMID: 16786513; PMID: 22250184; PMID: 28967462). This variant has been recurrently observed in individuals with PYGM-related disorders (PMID: 21802952; PMID: 17630210; PMID: 16786513; PMID: 22250184; PMID: 28967462). Also, this variant is rare in population databases. Computational evidence supports a deleterious effect. Based on the currently available evidence, this variant is classified as likely pathogenic.

CeGaT Center for Human Genetics Tuebingen
Classification: Uncertain significance. Last evaluated: 2026-02-01. Review status: criteria provided, single submitter. Criteria: CeGaT Center For Human Genetics Tuebingen Variant Classification Criteria Version 2. Collection method: clinical testing. Allele origin: germline. Affected: yes. Observed: 5 variant alleles.

Variantyx, Inc.
Classification: Likely pathogenic for Glycogen storage disease, type V. Last evaluated: 2025-12-04. Review status: criteria provided, single submitter. Criteria: Variantyx Assertion Criteria 2022. Collection method: clinical testing. Allele origin: germline. Inheritance: Autosomal recessive inheritance. Affected: no.
Comment: This is a nonsynonymous variant in the PYGM gene (OMIM: 608455). Pathogenic variants in this gene have been associated with autosomal recessive McArdle disease. This variant has been reported in the homozygous or compound heterozygous state in many unrelated affected individuals (PMID: 17221871, 29143597) (PM3). Multiple computational algorithms predict a deleterious effect for this variant (REVEL score: 0.946) (PP3). This variant has a 0.1172% maximum allele frequency in non-founder control populations. Based on the current evidence, this variant is classified as likely pathogenic for Autosomal recessive McArdle disease.

Natera, Inc.
Classification: Likely pathogenic for Glycogen storage disease V. Last evaluated: 2025-11-07. Review status: criteria provided, single submitter. Criteria: Natera Variant Classification Schema (03/2026). Collection method: clinical testing. Allele origin: germline.
Comment: The c.1094C>T variant in PYGM is a missense variant predicted to cause substitution of alanine to valine at amino acid 365. This variant is rare in the general population with a frequency below the threshold expected for the associated phenotype(s). This variant has been observed in one or more individuals affected with the associated recessive disease, as either homozygous or compound heterozygous with a second variant (PMID: 29143597, 29143597). Computational prediction algorithms indicate this variant is likely to affect gene or protein function. Given the available evidence, this variant is classified as Likely Pathogenic.

GeneDx
Classification: Uncertain significance. Last evaluated: 2025-10-24. Review status: criteria provided, single submitter. Criteria: GeneDx Variant Classification Process June 2021. Collection method: clinical testing. Allele origin: germline. Affected: yes.
Comment: Observed multiple times with a pathogenic variant in unrelated patients with McArdle disease in published literature, but it is not known whether the variants occurred on the same (in cis) or on different (in trans) chromosomes and biochemical studies were not reported (PMID: 17630210, 29143597); In silico analysis supports that this missense variant has a deleterious effect on protein structure/function; This variant is associated with the following publications: (PMID: 21802952, 20981092, 16786513, 22250184, 34426522, 25741863, 29907799, 28967462, 30011114, 29143597, 38516404, 37769369, Passetti2024[Preprint], 17221871, 40817859, 17630210)

First Genomix Gene Laboratory, Genetic Diagnostics Department
Classification: Likely pathogenic for Glycogen storage disease, type V. Last evaluated: 2025-06-26. Review status: criteria provided, single submitter. Criteria: ACMG Guidelines, 2015. Collection method: clinical testing. Allele origin: germline. Inheritance: Autosomal recessive inheritance. Affected: no. Observed: 1 variant allele.

Blueprint Genetics
Classification: Pathogenic for PYGM-related disorders. Last evaluated: 2024-10-17. Review status: criteria provided, single submitter. Criteria: ACMG Guidelines, 2015. Collection method: clinical testing. Allele origin: germline. Affected: yes. Observed: 5 variant alleles.

Revvity Omics, Revvity
Classification: Uncertain significance for Glycogen storage disease, type V. Last evaluated: 2024-09-19. Review status: criteria provided, single submitter. Criteria: ACMG Guidelines, 2015. Collection method: clinical testing. Allele origin: germline.

Women's Health and Genetics/Laboratory Corporation of America, LabCorp
Classification: Pathogenic for Glycogen storage disease, type V. Last evaluated: 2024-08-27. Review status: criteria provided, single submitter. Criteria: LabCorp Variant Classification Summary - May 2015. Collection method: clinical testing. Allele origin: germline.
Comment: Variant summary: PYGM c.1094C>T (p.Ala365Val) results in a non-conservative amino acid change in the encoded protein sequence. Five of five in-silico tools predict a damaging effect of the variant on protein function. Several computational tools predict a significant impact on normal splicing: Three predict the variant creates a 5 donor site. One predict the variant strengthens a 5 donor site. However, these predictions have yet to be confirmed by functional studies. The variant allele was found at a frequency of 0.00071 in 224920 control chromosomes. This frequency is not significantly higher than estimated for a pathogenic variant in PYGM causing Glycogen Storage Disease, Type V (0.00071 vs 0.0035), allowing no conclusion about variant significance. c.1094C>T has been reported in the literature in multiple compound heterozygous individuals affected with Glycogen Storage Disease, Type V (Vieitez_2011, Rubio_2007, Bruno_2006, Lucia_2012, Inal-Gultekin_2017, Santalla_2017, Lkken_2023). These data indicate that the variant is very likely to be associated with disease. To our knowledge, no experimental evidence demonstrating an impact on protein function has been reported. The following publications have been ascertained in the context of this evaluation (PMID: 25741863, 16786513, 28967462, 37769369, 22250184, 17221871, 29143597, 21802952). ClinVar contains an entry for this variant (Variation ID: 203394). Based on the evidence outlined above, the variant was classified as pathogenic.

Fulgent Genetics
Classification: Likely pathogenic for Glycogen storage disease, type V. Last evaluated: 2024-06-25. Review status: criteria provided, single submitter. Criteria: ACMG Guidelines, 2015. Collection method: clinical testing. Allele origin: germline.

Baylor Genetics
Classification: Pathogenic for Glycogen storage disease, type V. Last evaluated: 2024-03-30. Review status: criteria provided, single submitter. Criteria: ACMG Guidelines, 2015. Collection method: clinical testing. Allele origin: unknown.